The following is an entry in ClinVar:

ClinVar aggregate classification (germline): Pathogenic (1 of 4 stars; one submission).

Submission:

Labcorp Genetics (formerly Invitae), Labcorp
Classification: Pathogenic. Last evaluated: 2020-10-12. Review status: criteria provided, single submitter. Criteria: Invitae Variant Classification Sherloc (09022015). Collection method: clinical testing. Allele origin: germline.
Comment: This sequence change creates a premature translational stop signal (p.Ala107Valfs*66) in the THSD4 gene. It is expected to result in an absent or disrupted protein product. The frequency data for this variant in the population databases is considered unreliable, as metrics indicate insufficient coverage at this position in the ExAC database. This variant has not been reported in the literature in individuals with THSD4-related conditions. Loss-of-function variants in THSD4 are known to be pathogenic (PMID: 32855533). For these reasons, this variant has been classified as Pathogenic.

Literature cited by the submitters: PubMed 32855533.

NM_024817.3(THSD4):c.314_317dup (p.Ala107fs)

Gene: THSD4 (thrombospondin type 1 domain containing 4; plus strand). Cytogenetic location: 15q23.
Variant type: Duplication.
Coding change: c.314_317dup on transcript NM_024817.3 (MANE Select); coding-DNA positions 314 to 317, 4 bases duplicated (TGTC; older notation c.314_317dupTGTC).
Protein change: p.Ala107fs; shifts the reading frame from alanine 107.
Molecular consequence: frameshift variant.
Genome position (GRCh38, 1-based): chr15:71,215,249-71,215,252, TGTC duplicated. VCF-style (leftmost placement, unchanged base first): chr15-71215248-G-GTGTC. GRCh37 (hg19) VCF-style: chr15-71507587-G-GTGTC.
Other names: c.314_317dup, p.Ala107fs (NM_001394532.1); short protein forms A107fs.
Identifiers: ClinVar variation 1069468 (VCV001069468.7), dbSNP rs2140250314, ClinGen allele CA2499223069.